The following is an entry in ClinVar:

ClinVar aggregate classification (germline): Uncertain significance. Review status: criteria provided, multiple submitters, no conflicts (2 of 4 stars). 3 submissions from 3 submitters: Uncertain significance (3). Last evaluated 2025-12-05.

Conditions:
GREB1L-related disorder. Also called: GREB1L-related condition.
Mayer Rokitansky Kuster Hauser syndrome type 1 (MRKH). Identifiers: Orphanet 247775, MedGen C5566555, MONDO:0010173, OMIM 277000.
Renal hypodysplasia/aplasia 3 (RHDA3). Identifiers: MedGen C4540497, MONDO:0024520, OMIM 617805.

Allele frequency attached by ClinVar (database versions not stated): gnomAD 0.00001; gnomAD exomes 0.00003; TOPMed 0.00003.
gnomAD v4.1: 47 of 1,551,522 alleles (0.003%); highest among the groups gnomAD compares: Admixed American, 0.0098%; no homozygotes.

Submissions (3):

PreventionGenetics, part of Exact Sciences
Classification: Uncertain significance for GREB1L-related condition. Last evaluated: 2025-12-05. Review status: criteria provided, single submitter. Criteria: ACMG Guidelines, 2015. Collection method: clinical testing. Allele origin: germline.
Comment: The GREB1L c.5650C>T variant is predicted to result in the amino acid substitution p.Arg1884Cys. This variant was reported in an individual with uterine abnormalities (Jolly et al. 2023. PubMed ID: 37124138) and in a patient with auditory neuropathy (Table S4, Wang et al. 2024. PubMed ID: 38456936). This variant is reported in 0.012% of alleles in individuals of Latino descent in gnomAD. Although we suspect that this variant may be benign, at this time, the clinical significance of this variant is uncertain due to the absence of conclusive functional and genetic evidence.

Lupski Lab, Baylor-Hopkins CMG, Baylor College of Medicine
Classification: Uncertain significance for Mayer Rokitansky Kuster Hauser syndrome type 1. Last evaluated: 2023-03-13. Review status: criteria provided, single submitter. Criteria: ACMG Guidelines, 2015. Collection method: research. Allele origin: unknown. Affected: yes. Observed: 1 variant allele.

Baylor Genetics
Classification: Uncertain significance for Renal hypodysplasia/aplasia 3. Last evaluated: 2018-08-22. Review status: criteria provided, single submitter. Criteria: ACMG Guidelines, 2015. Collection method: clinical testing. Allele origin: paternal. Affected: yes.
Comment: This variant was determined to be of uncertain significance according to ACMG Guidelines, 2015 [PMID:25741868].

NM_001142966.3(GREB1L):c.5650C>T (p.Arg1884Cys)

Gene: GREB1L (GREB1 like retinoic acid receptor coactivator; plus strand). Cytogenetic location: 18q11.2.
Variant type: single nucleotide variant.
Coding change: c.5650C>T on transcript NM_001142966.3 (MANE Select); coding-DNA position 5650, C replaced by T.
Protein change: p.Arg1884Cys; replaces arginine 1884 with cysteine.
Molecular consequence: missense variant.
Genome position (GRCh38, 1-based): chr18:21,522,699, C>T. VCF-style: chr18-21522699-C-T. GRCh37 (hg19) VCF-style: chr18-19102660-C-T.
Other names: short protein forms R1884C.
Identifiers: ClinVar variation 1033328 (VCV001033328.3), dbSNP rs1308452766, ClinGen allele CA401739211.
Genomic context (GRCh38, chr18:21,522,699, plus strand): 5'-TCTGTCTTTTTTCCTGAAGGTGCTACACTGTGTGTCATCTGCCAAGACAGAAGTTCCTTG[C>T]GCCAAACAATTGTCCGCTTAGAGCTAGAAGATGAGTGGCAGTTCCGCCTCCGGGACGAGT-3'
Protein context (NP_001136438.1, residues 1874-1894): CVICQDRSSL[Arg1884Cys]QTIVRLELED